The following is an entry in ClinVar:

ClinVar aggregate classification (germline): Uncertain significance (1 of 4 stars; one submission).

Conditions:
Multiple gastrointestinal atresias. Also called: Multiple intestinal atresia; FAMILIAL INTESTINAL POLYATRESIA SYNDROME. Identifiers: Orphanet 2300, MedGen C0220744, MONDO:0009465.

Allele frequency attached by ClinVar (database versions not stated): gnomAD exomes below 0.00001.
gnomAD v4.1: 1 of 1,613,864 alleles (0.000062%); no homozygotes.

Submission:

Labcorp Genetics (formerly Invitae), Labcorp
Classification: Uncertain significance for Multiple gastrointestinal atresias. Last evaluated: 2019-04-24. Review status: criteria provided, single submitter. Criteria: Invitae Variant Classification Sherloc (09022015). Collection method: clinical testing. Allele origin: germline.
Comment: This sequence change falls in intron 6 of the TTC7A gene. It does not directly change the encoded amino acid sequence of the TTC7A protein, but it affects a nucleotide within the consensus splice site of the intron. This variant is not present in population databases (ExAC no frequency). This variant has not been reported in the literature in individuals with TTC7A-related conditions. Nucleotide substitutions within the consensus splice site are a relatively common cause of aberrant splicing (PMID: 17576681, 9536098). Algorithms developed to predict the effect of sequence changes on RNA splicing suggest that this variant is not likely to affect RNA splicing, but this prediction has not been confirmed by published transcriptional studies. In summary, the available evidence is currently insufficient to determine the role of this variant in disease. Therefore, it has been classified as a Variant of Uncertain Significance.

NM_020458.4(TTC7A):c.843+5T>C

Gene: TTC7A (tetratricopeptide repeat domain 7A; plus strand). Cytogenetic location: 2p21.
Variant type: single nucleotide variant.
Coding change: c.843+5T>C on transcript NM_020458.4 (MANE Select); 5 bases into the intron after coding-DNA position 843, T replaced by C.
Molecular consequence: intron variant.
Genome position (GRCh38, 1-based): chr2:46,993,533, T>C. VCF-style: chr2-46993533-T-C. GRCh37 (hg19) VCF-style: chr2-47220672-T-C.
Other names: c.741+5T>C (NM_001288953.2); c.843+5T>C (NM_001288951.2); c.-62+5T>C (NM_001288955.2).
Identifiers: ClinVar variation 952470 (VCV000952470.1), dbSNP rs1270977220, ClinGen allele CA532325292.
Genomic context (GRCh38, chr2:46,993,533, plus strand): 5'-AGCTCCGGGAGGTGCTGCGGACTGTGGAGACCAAAGCAACTCAGAACTTCAAAGTGGTAA[T>C]GTGGGGTGCTGGCAGTGCTGGCTTATTTAGGAGTCAGCTTTGGTGGGAGACAACAGAAGT-3'